The following is an entry in ClinVar:

NM_206933.4(USH2A):c.10769C>T (p.Pro3590Leu)

Gene: USH2A (usherin; minus strand). Cytogenetic location: 1q41.
Variant type: single nucleotide variant.
Coding change: c.10769C>T on transcript NM_206933.4 (MANE Select); coding-DNA position 10769, C replaced by T.
Protein change: p.Pro3590Leu; replaces proline 3590 with leucine.
Molecular consequence: missense variant.
Genome position (GRCh38, 1-based): chr1:215,780,013, G>A on the plus strand (C>T on the coding strand, the complement: USH2A is on the minus strand). VCF-style: chr1-215780013-G-A. GRCh37 (hg19) VCF-style: chr1-215953355-G-A.
Other names: short protein forms P3590L.
Identifiers: ClinVar variation 48358 (VCV000048358.70), dbSNP rs115403785, ClinGen allele CA143231.

ClinVar aggregate classification (germline): Conflicting classifications of pathogenicity. Review status: criteria provided, conflicting classifications (1 of 4 stars). 11 submissions from 11 submitters: Uncertain significance (2); Benign (1); Likely benign (4). 4 of the submissions do not count toward it. Last evaluated 2026-01-26.

Conditions:
Usher syndrome type 2A. Also called: USHER SYNDROME, TYPE IIA; RETINAL DISEASE IN USHER SYNDROME TYPE IIA, MODIFIER OF. Identifiers: Orphanet 231178, Orphanet 886, MedGen C1848634, MONDO:0010169, OMIM 276901.

Allele frequency attached by ClinVar (database versions not stated): TOPMed 0.00052; gnomAD 0.00058; gnomAD exomes 0.00062 and 0.00082; ExAC 0.00076; 1000 Genomes Project 0.00080; 1000 Genomes Project 30x 0.00094; ESP Exome Variant Server 0.00100.
gnomAD v4.1: 1,261 of 1,614,062 alleles (0.078%); highest among the groups gnomAD compares: Non-Finnish European, 0.1%; 1 homozygote.

Submissions (11):

Labcorp Genetics (formerly Invitae), Labcorp
Classification: Likely benign. Last evaluated: 2026-01-26. Review status: criteria provided, single submitter. Criteria: Invitae Variant Classification Sherloc (09022015). Collection method: clinical testing. Allele origin: germline.

CeGaT Center for Human Genetics Tuebingen
Classification: Likely benign. Last evaluated: 2025-09-01. Review status: criteria provided, single submitter. Criteria: CeGaT Center For Human Genetics Tuebingen Variant Classification Criteria Version 2. Collection method: clinical testing. Allele origin: germline. Affected: yes. Observed: 2 variant alleles.
Comment: USH2A: BS2

Blueprint Genetics
Classification: Likely benign. Last evaluated: 2024-10-31. Review status: criteria provided, single submitter. Criteria: ACMG Guidelines, 2015. Collection method: clinical testing. Allele origin: germline.

Centre for Mendelian Genomics, University Medical Centre Ljubljana
Classification: Uncertain significance for Usher syndrome type 2A. Last evaluated: 2019-04-30. Review status: criteria provided, single submitter. Criteria: ACMG Guidelines, 2015. Collection method: clinical testing. Allele origin: unknown. Affected: yes.
Comment: This variant was classified as: Uncertain significance. The following ACMG criteria were applied in classifying this variant: PP3.

Eurofins Ntd Llc (ga)
Classification: Uncertain significance. Last evaluated: 2016-03-22. Review status: criteria provided, single submitter. Criteria: EGL Classification Definitions 2015. Collection method: clinical testing. Allele origin: germline. Observed: 1 variant allele, 1 heterozygote.

GeneDx
Classification: Benign. Last evaluated: 2015-03-03. Review status: criteria provided, single submitter. Criteria: GeneDx Variant Classification Process June 2021. Collection method: clinical testing. Allele origin: germline. Affected: yes.

Laboratory for Molecular Medicine, Mass General Brigham Personalized Medicine
Classification: Likely benign. Last evaluated: 2010-04-13. Review status: criteria provided, single submitter. Criteria: LMM Criteria. Collection method: clinical testing. Allele origin: germline. Observed: 2 variant alleles.
Comment: Pro3590Leu in exon 55 of USH2A: This variant is not expected to have clinical si gnificance because Pro3590 is not conserved among closely related species with R at having a Leucine (Leu) at this position. In addition, this variant was found occur at an equal frequency between probands and a control population (Dreyer 20 08).

Natera, Inc.
Classification: Likely benign for Usher syndrome type 2A. Last evaluated: 2020-05-03. Review status: no assertion criteria provided. Collection method: clinical testing. Allele origin: germline. Not counted in ClinVar's aggregate classification.

Clinical Genetics DNA and cytogenetics Diagnostics Lab, Erasmus MC, Erasmus Medical Center
Classification: Likely benign. Review status: no assertion criteria provided. Collection method: clinical testing. Allele origin: germline. Affected: yes. Study: VKGL Data-share Consensus. Not counted in ClinVar's aggregate classification.

Clinical Genetics, Academic Medical Center
Classification: Likely benign. Review status: no assertion criteria provided. Collection method: clinical testing. Allele origin: germline. Affected: yes. Study: VKGL Data-share Consensus. Not counted in ClinVar's aggregate classification.

Joint Genome Diagnostic Labs from Nijmegen and Maastricht, Radboudumc and MUMC+
Classification: Benign. Review status: no assertion criteria provided. Collection method: clinical testing. Allele origin: germline. Affected: yes. Study: VKGL Data-share Consensus. Not counted in ClinVar's aggregate classification.

Literature cited by the submitters: PubMed 18273898 (cited by Laboratory for Molecular Medicine, Mass General Brigham Personalized Medicine).